The following is an entry in ClinVar:

NM_033028.5(BBS4):c.824_826del (p.Asn275del)

Gene: BBS4 (Bardet-Biedl syndrome 4; plus strand). Cytogenetic location: 15q24.1.
Variant type: Deletion.
Coding change: c.824_826del on transcript NM_033028.5 (MANE Select); coding-DNA positions 824 to 826, 3 bases deleted (ACA; older notation c.824_826delACA).
Protein change: p.Asn275del; deletes asparagine 275.
Molecular consequence: inframe deletion. On other transcripts: non-coding transcript variant (2).
Genome position (GRCh38, 1-based): chr15:72,731,417-72,731,419, ACA deleted; deleting any 3 consecutive bases within chr15:72,731,416-72,731,419 gives the same sequence; the c. name uses the placement nearest the transcript's 3' end. VCF-style (leftmost placement, unchanged base first): chr15-72731415-TAAC-T. GRCh37 (hg19) VCF-style: chr15-73023756-TAAC-T.
Other names: c.308_310del, p.Asn103del (NM_001252678.2); c.755_757del, p.Asn252del (NM_001320665.2); short protein forms N103del, N252del, N275del.
Identifiers: ClinVar variation 3347470 (VCV003347470.1).

ClinVar aggregate classification (germline): Uncertain significance (0 of 4 stars; one submission).

Conditions:
BBS4-related disorder. Also called: BBS4-related condition.

Submission:

PreventionGenetics, part of Exact Sciences
Classification: Uncertain significance for BBS4-related condition. Last evaluated: 2024-05-17. Review status: no assertion criteria provided. Collection method: clinical testing. Allele origin: germline.
Comment: The BBS4 c.824_826delACA variant is predicted to result in an in-frame deletion (p.Asn275del). To our knowledge, this variant has not been reported in the literature or in a large population database, indicating this variant is rare. At this time, the clinical significance of this variant is uncertain due to the absence of conclusive functional and genetic evidence.